The following is an entry in ClinVar:

ClinVar aggregate classification (germline): Uncertain significance. Review status: criteria provided, multiple submitters, no conflicts (2 of 4 stars). 8 submissions from 8 submitters: Uncertain significance (8). Last evaluated 2025-10-29.

Conditions:
BILIRUBIN, SERUM LEVEL OF, QUANTITATIVE TRAIT LOCUS 1 (BILIQTL1). Identifiers: MedGen C1866173, OMIM 601816.
Gilbert syndrome. Also called: Gilbert's syndrome; HYPERBILIRUBINEMIA I; HYPERBILIRUBINEMIA, ARIAS TYPE; HYPERBILIRUBINEMIA, GILBERT TYPE; Gilbert Disease. Identifiers: MedGen C0017551, MONDO:0007745, OMIM 143500.
Crigler-Najjar syndrome type 1. Also called: HYPERBILIRUBINEMIA, CRIGLER-NAJJAR TYPE I. Identifiers: Orphanet 79234, MedGen C0010324, MONDO:0021020, OMIM 218800.
Lucey-Driscoll syndrome (HBLRTFN). Also called: Transient familial neonatal hyperbilirubinemia. Identifiers: Orphanet 2312, MedGen C0270210, MONDO:0009383, OMIM 237900.
Crigler-Najjar syndrome, type II. Also called: HYPERBILIRUBINEMIA, CRIGLER-NAJJAR TYPE II; Crigler Najjar syndrome, type 2; Mutation in the UDP-glucuronosyl-transferase gene. Identifiers: Orphanet 205, Orphanet 79235, MedGen C2931132, MONDO:0011725, OMIM 606785.
UGT1A1-related disorder. Also called: UGT1A1-related condition; UGT1A1-related disorders.
Crigler-Najjar syndrome. Identifiers: Orphanet 205, MedGen C5551003, MONDO:0009044.

Allele frequency attached by ClinVar (database versions not stated): ExAC 0.00002; gnomAD exomes 0.00005; gnomAD 0.00009; TOPMed 0.00009; ESP Exome Variant Server 0.00015.
gnomAD v4.1: 210 of 1,614,084 alleles (0.013%); highest among the groups gnomAD compares: Non-Finnish European, 0.017%; 1 homozygote.

Submissions (8):

Labcorp Genetics (formerly Invitae), Labcorp
Classification: Uncertain significance. Last evaluated: 2025-10-29. Review status: criteria provided, single submitter. Criteria: Invitae Variant Classification Sherloc (09022015). Collection method: clinical testing. Allele origin: germline.
Comment: This sequence change replaces arginine, which is basic and polar, with cysteine, which is neutral and slightly polar, at codon 442 of the UGT1A1 protein (p.Arg442Cys). This variant is present in population databases (rs143033456, gnomAD 0.01%). This variant has not been reported in the literature in individuals affected with UGT1A1-related conditions. ClinVar contains an entry for this variant (Variation ID: 286999). Invitae Evidence Modeling of protein sequence and biophysical properties (such as structural, functional, and spatial information, amino acid conservation, physicochemical variation, residue mobility, and thermodynamic stability) indicates that this missense variant is expected to disrupt UGT1A1 protein function with a positive predictive value of 80%. In summary, the available evidence is currently insufficient to determine the role of this variant in disease. Therefore, it has been classified as a Variant of Uncertain Significance.

PreventionGenetics, part of Exact Sciences
Classification: Uncertain significance for UGT1A1-related condition. Last evaluated: 2025-10-09. Review status: criteria provided, single submitter. Criteria: ACMG Guidelines, 2015. Collection method: clinical testing. Allele origin: germline.
Comment: The UGT1A1 c.1324C>T variant is predicted to result in the amino acid substitution p.Arg442Cys. To our knowledge, this variant has not been reported in the literature in individuals affected with UGT1A1-related conditions. This variant is reported in 0.011% of alleles in individuals of European (Non-Finnish) descent in gnomAD. At this time, the clinical significance of this variant is uncertain due to the absence of conclusive functional and genetic evidence.

Revvity Omics, Revvity
Classification: Uncertain significance. Last evaluated: 2024-12-16. Review status: criteria provided, single submitter. Criteria: ACMG Guidelines, 2015. Collection method: clinical testing. Allele origin: germline.

ARUP Laboratories, Molecular Genetics and Genomics, ARUP Laboratories
Classification: Uncertain significance. Last evaluated: 2022-12-23. Review status: criteria provided, single submitter. Criteria: ARUP Molecular Germline Variant Investigation Process 2024. Collection method: clinical testing. Allele origin: germline.

Fulgent Genetics
Classification: Uncertain significance for Gilbert syndrome; Crigler-Najjar syndrome type 1; Lucey-Driscoll syndrome; BILIRUBIN, SERUM LEVEL OF, QUANTITATIVE TRAIT LOCUS 1; Crigler-Najjar syndrome, type II. Last evaluated: 2018-10-31. Review status: criteria provided, single submitter. Criteria: ACMG Guidelines, 2015. Collection method: clinical testing. Allele origin: unknown.

Illumina Laboratory Services, Illumina
Classification: Uncertain significance for Crigler-Najjar syndrome. Last evaluated: 2017-04-27. Review status: criteria provided, single submitter. Criteria: ICSL Variant Classification Criteria 13 December 2019. Collection method: clinical testing. Allele origin: germline.
Comment: This variant was observed as part of a predisposition screen in an ostensibly healthy population. A literature search was performed for the gene, cDNA change, and amino acid change (where applicable). Publications were found based on this search. However, the evidence from the literature, in combination with allele frequency data from public databases where available, was not sufficient to rule this variant in or out of causing disease. Therefore, this variant is classified as a variant of unknown significance.

GeneDx
Classification: Uncertain significance. Last evaluated: 2017-02-13. Review status: criteria provided, single submitter. Criteria: GeneDx Variant Classification (06012015). Collection method: clinical testing. Allele origin: germline. Affected: yes.
Comment: The R442C variant in the UGT1A1 gene has not been reported previously as a pathogenic variant, nor as a benign variant, to our knowledge. The R442C variant is not observed at a significant frequency in large population cohorts (Lek et al., 2016; 1000 Genomes Consortium et al., 2015; Exome Variant Server). The R442C variant is a non-conservative amino acid substitution, which is likely to impact secondary protein structure as these residues differ in polarity, charge, size and/or other properties. However, this substitution occurs at a position that is not conserved. In silico analysis predicts this variant is probably damaging to the protein structure/function. Therefore, we interpret R442C as a variant of uncertain significance.

Eurofins Ntd Llc (ga)
Classification: Uncertain significance. Last evaluated: 2016-04-19. Review status: criteria provided, single submitter. Criteria: EGL Classification Definitions 2015. Collection method: clinical testing. Allele origin: germline. Observed: 1 variant allele, 1 heterozygote.

Literature cited by the submitters: PubMed 23875061 (cited by Illumina Laboratory Services, Illumina).

NM_000463.3(UGT1A1):c.1324C>T (p.Arg442Cys)

Genes: UGT1A3 (UDP glucuronosyltransferase family 1 member A3; plus strand), UGT1A4 (UDP glucuronosyltransferase family 1 member A4; plus strand), UGT1A7 (UDP glucuronosyltransferase family 1 member A7; plus strand), UGT1A8 (UDP glucuronosyltransferase family 1 member A8; plus strand), UGT1A9 (UDP glucuronosyltransferase family 1 member A9; plus strand) and 5 more. Cytogenetic location: 2q37.1.
Variant type: single nucleotide variant.
Coding change: c.1324C>T on transcript NM_000463.3 (MANE Select); coding-DNA position 1324, C replaced by T.
Protein change: p.Arg442Cys; replaces arginine 442 with cysteine.
Molecular consequence: missense variant.
Genome position (GRCh38, 1-based): chr2:233,772,281, C>T. VCF-style: chr2-233772281-C-T. GRCh37 (hg19) VCF-style: chr2-234680927-C-T.
Other names: c.1315C>T, p.Arg439Cys (NM_019075.4, NM_019076.5, NM_019077.3 and 1 more transcripts); c.1321C>T, p.Arg441Cys (NM_001072.4); c.520C>T, p.Arg174Cys (NM_205862.3); c.1327C>T, p.Arg443Cys (NM_019078.2, NM_007120.3, NM_019093.4); short protein forms R442C, R439C, R443C, R441C, R174C.
Identifiers: ClinVar variation 286999 (VCV000286999.24), dbSNP rs143033456, ClinGen allele CA2180092.